The following is an entry in ClinVar:

ClinVar aggregate classification (germline): Uncertain significance (1 of 4 stars; one submission).

gnomAD v4.1: 3 of 1,614,212 alleles (0.00019%); highest among the groups gnomAD compares: Non-Finnish European, 0.00025%; no homozygotes.

Submission:

Labcorp Genetics (formerly Invitae), Labcorp
Classification: Uncertain significance. Last evaluated: 2024-10-16. Review status: criteria provided, single submitter. Criteria: Invitae Variant Classification Sherloc (09022015). Collection method: clinical testing. Allele origin: germline.
Comment: This sequence change replaces glutamic acid, which is acidic and polar, with aspartic acid, which is acidic and polar, at codon 70 of the HMOX1 protein (p.Glu70Asp). This variant is not present in population databases (gnomAD no frequency). This variant has not been reported in the literature in individuals affected with HMOX1-related conditions. ClinVar contains an entry for this variant (Variation ID: 1399690). An algorithm developed to predict the effect of missense changes on protein structure and function outputs the following: PolyPhen-2: "Benign". The aspartic acid amino acid residue is found in multiple mammalian species, which suggests that this missense change does not adversely affect protein function. In summary, the available evidence is currently insufficient to determine the role of this variant in disease. Therefore, it has been classified as a Variant of Uncertain Significance.

NM_002133.3(HMOX1):c.210G>T (p.Glu70Asp)

Gene: HMOX1 (heme oxygenase 1; plus strand). Cytogenetic location: 22q12.3.
Variant type: single nucleotide variant.
Coding change: c.210G>T on transcript NM_002133.3 (MANE Select); coding-DNA position 210, G replaced by T.
Protein change: p.Glu70Asp; replaces glutamic acid 70 with aspartic acid.
Molecular consequence: missense variant.
Genome position (GRCh38, 1-based): chr22:35,386,750, G>T. VCF-style: chr22-35386750-G-T. GRCh37 (hg19) VCF-style: chr22-35782743-G-T.
Other names: short protein forms E70D.
Identifiers: ClinVar variation 1399690 (VCV001399690.8), dbSNP rs1931514798, ClinGen allele CA411352246.
Genomic context (GRCh38, chr22:35,386,750, plus strand): 5'-GATGGCCTCCCTGTACCACATCTATGTGGCCCTGGAGGAGGAGATTGAGCGCAACAAGGA[G>T]AGCCCAGTCTTCGCCCCTGTCTACTTCCCAGAAGAGCTGCACCGCAAGGCTGCCCTGGAG-3'
Protein context (NP_002124.1, residues 60-80): ALEEEIERNK[Glu70Asp]SPVFAPVYFP